The following is an entry in ClinVar:

ClinVar aggregate classification (germline): Uncertain significance (1 of 4 stars; one submission).

Conditions:
Inborn genetic diseases. Identifiers: MedGen C0950123, MeSH D030342.

Submission:

Ambry Genetics
Classification: Uncertain significance for Inborn genetic diseases. Last evaluated: 2026-01-19. Review status: criteria provided, single submitter. Criteria: Ambry Variant Classification Scheme 2023. Collection method: clinical testing. Allele origin: germline.
Comment: The p.A979S variant (also known as c.2935G>T), located in coding exon 30 of the FANCA gene, results from a G to T substitution at nucleotide position 2935. The alanine at codon 979 is replaced by serine, an amino acid with similar properties. This amino acid position is conserved. In addition, this alteration is predicted to be tolerated by in silico analysis. Based on the available evidence, the clinical significance of this variant remains unclear.

NM_000135.4(FANCA):c.2935G>T (p.Ala979Ser)

Gene: FANCA (FA complementation group A; minus strand). Cytogenetic location: 16q24.3.
Variant type: single nucleotide variant.
Coding change: c.2935G>T on transcript NM_000135.4 (MANE Select); coding-DNA position 2935, G replaced by T.
Protein change: p.Ala979Ser; replaces alanine 979 with serine.
Molecular consequence: missense variant.
Genome position (GRCh38, 1-based): chr16:89,758,623, C>A on the plus strand (G>T on the coding strand, the complement: FANCA is on the minus strand). VCF-style: chr16-89758623-C-A. GRCh37 (hg19) VCF-style: chr16-89825031-C-A.
Other names: c.2935G>T, p.Ala979Ser (NM_001286167.3); short protein forms A979S.
Identifiers: ClinVar variation 4824583 (VCV004824583.1).
Genomic context (GRCh38, chr16:89,758,623, plus strand): 5'-TGTGTGCTGCTAACCTTTGGTGGAAATCCATCAGTGCGTTGACAAGAATGGTACACGCAG[C>A]CTGCAGGTCTCCGTCACAGCCCCCTGAAGCCGAGGACTCAGGGAGAAAGTGCTCATGGAT-3'
Protein context (NP_000126.2, residues 969-989): ASGGCDGDLQ[Ala979Ser]ACTILVNALM